The following is an entry in ClinVar:

NM_130837.3(OPA1):c.2178G>A (p.Glu726=)

Gene: OPA1 (OPA1 mitochondrial dynamin like GTPase; plus strand). Cytogenetic location: 3q29.
Variant type: single nucleotide variant.
Coding change: c.2178G>A on transcript NM_130837.3 (MANE Select); coding-DNA position 2178, G replaced by A.
Protein change: p.Glu726=; no amino-acid change (glutamic acid 726 retained).
Molecular consequence: synonymous variant.
Genome position (GRCh38, 1-based): chr3:193,655,027, G>A. VCF-style: chr3-193655027-G-A. GRCh37 (hg19) VCF-style: chr3-193372816-G-A.
Other names: c.1644G>A, p.Glu548= (NM_001354663.2); c.1641G>A, p.Glu547= (NM_001354664.2); c.2013G>A, p.Glu671= (NM_015560.3); c.1905G>A, p.Glu635= (NM_130831.3); c.1959G>A, p.Glu653= (NM_130832.3); c.2016G>A, p.Glu672= (NM_130833.3); c.2067G>A, p.Glu689= (NM_130834.3); c.2070G>A, p.Glu690= (NM_130835.3); and 1 more.
Identifiers: ClinVar variation 2203486 (VCV002203486.4), dbSNP rs2475019205, ClinGen allele CA437439746.
Genomic context (GRCh38, chr3:193,655,027, plus strand): 5'-CACAGTGGATATCAAGCTTAAACAGTGGACTGATAAACAACTTCCTAATAAAGCAGTAGA[G>A]GTTAGGATATAATTTAATTAAATGGGTAAGAAGCATTATCTGAAGGGAGTAGGAGCTGTG-3'
Protein context (NP_570850.2, residues 716-736): TDKQLPNKAV[Glu726=]VAWETLQEEF

ClinVar aggregate classification (germline): Uncertain significance (1 of 4 stars; one submission).

Submission:

Labcorp Genetics (formerly Invitae), Labcorp
Classification: Uncertain significance. Last evaluated: 2022-08-16. Review status: criteria provided, single submitter. Criteria: Invitae Variant Classification Sherloc (09022015). Collection method: clinical testing. Allele origin: germline.
Comment: This variant is not present in population databases (gnomAD no frequency). In summary, the available evidence is currently insufficient to determine the role of this variant in disease. Therefore, it has been classified as a Variant of Uncertain Significance. Variants that disrupt the consensus splice site are a relatively common cause of aberrant splicing (PMID: 17576681, 9536098). Algorithms developed to predict the effect of sequence changes on RNA splicing suggest that this variant may disrupt the consensus splice site. This variant has been observed in individuals with autosomal dominant optical atrophy (PMID: 16323009; Invitae). This sequence change affects codon 671 of the OPA1 mRNA. It is a 'silent' change, meaning that it does not change the encoded amino acid sequence of the OPA1 protein. This variant also falls at the last nucleotide of exon 20, which is part of the consensus splice site for this exon.

Literature cited by the submitters: PubMed 17576681; PubMed 9536098; PubMed 16323009.